The following is an entry in ClinVar:

ClinVar aggregate classification (germline): Uncertain significance (1 of 4 stars; one submission).

Allele frequency attached by ClinVar (database versions not stated): gnomAD exomes below 0.00001; gnomAD 0.00001.
gnomAD v4.1: 9 of 1,613,828 alleles (0.00056%); highest among the groups gnomAD compares: Admixed American, 0.0017%; no homozygotes.

Submission:

Labcorp Genetics (formerly Invitae), Labcorp
Classification: Uncertain significance. Last evaluated: 2023-07-16. Review status: criteria provided, single submitter. Criteria: Invitae Variant Classification Sherloc (09022015). Collection method: clinical testing. Allele origin: germline.
Comment: In summary, the available evidence is currently insufficient to determine the role of this variant in disease. Therefore, it has been classified as a Variant of Uncertain Significance. Algorithms developed to predict the effect of sequence changes on RNA splicing suggest that this variant may create or strengthen a splice site. This variant has not been reported in the literature in individuals affected with ARHGEF1-related conditions. This variant is not present in population databases (gnomAD no frequency). This sequence change falls in intron 25 of the ARHGEF1 gene. It does not directly change the encoded amino acid sequence of the ARHGEF1 protein.

NM_004706.4(ARHGEF1):c.2405-6A>G

Gene: ARHGEF1 (Rho guanine nucleotide exchange factor 1; plus strand). Cytogenetic location: 19q13.2.
Variant type: single nucleotide variant.
Coding change: c.2405-6A>G on transcript NM_004706.4 (MANE Select); 6 bases into the intron before coding-DNA position 2405, A replaced by G.
Molecular consequence: intron variant.
Genome position (GRCh38, 1-based): chr19:41,905,933, A>G. VCF-style: chr19-41905933-A-G. GRCh37 (hg19) VCF-style: chr19-42410085-A-G.
Other names: c.2405-6A>G (NM_001396003.1, NM_001396006.1); c.2306-6A>G (NM_001396002.1, NM_198977.2, NM_001396004.1); c.2573-6A>G (NM_001396000.1); c.2450-6A>G (NM_199002.2).
Identifiers: ClinVar variation 2894863 (VCV002894863.3), dbSNP rs2074687719, ClinGen allele CA996003519.
Genomic context (GRCh38, chr19:41,905,933, plus strand): 5'-GGGTGAAGAGAGGCATCCACAGGAGGCCCGGCAGGATCTGAGCTCCCTCTCTGTTCCCCA[A>G]TCCAGCCCGGACCGAGAGAATCCTCAGTGACCTCCTGCCCTTCTGCAGACCAGGCCCCGA-3'